The following is an entry in ClinVar:

NM_025009.5(CEP135):c.3334C>G (p.Gln1112Glu)

Gene: CEP135 (centrosomal protein 135; plus strand). Cytogenetic location: 4q12.
Variant type: single nucleotide variant.
Coding change: c.3334C>G on transcript NM_025009.5 (MANE Select); coding-DNA position 3334, C replaced by G.
Protein change: p.Gln1112Glu; replaces glutamine 1112 with glutamic acid.
Molecular consequence: missense variant.
Genome position (GRCh38, 1-based): chr4:56,024,514, C>G. VCF-style: chr4-56024514-C-G. GRCh37 (hg19) VCF-style: chr4-56890680-C-G.
Other names: c.3334C>G (NM_025009.3); short protein forms Q1112E.
Identifiers: ClinVar variation 2889891 (VCV002889891.3), dbSNP rs755820201, ClinGen allele CA2928406.

ClinVar aggregate classification (germline): Uncertain significance. Review status: criteria provided, multiple submitters, no conflicts (2 of 4 stars). 2 submissions from 2 submitters: Uncertain significance (2). Last evaluated 2025-10-10.

Conditions:
Inborn genetic diseases. Identifiers: MedGen C0950123, MeSH D030342.

Allele frequency attached by ClinVar (database versions not stated): ExAC 0.00002; TOPMed 0.00001; gnomAD exomes 0.00002; gnomAD 0.00003.
gnomAD v4.1: 29 of 1,613,304 alleles (0.0018%); highest among the groups gnomAD compares: Non-Finnish European, 0.0024%; no homozygotes.

Submissions (2):

Labcorp Genetics (formerly Invitae), Labcorp
Classification: Uncertain significance. Last evaluated: 2025-10-10. Review status: criteria provided, single submitter. Criteria: Invitae Variant Classification Sherloc (09022015). Collection method: clinical testing. Allele origin: germline.
Comment: This sequence change replaces glutamine, which is neutral and polar, with glutamic acid, which is acidic and polar, at codon 1112 of the CEP135 protein (p.Gln1112Glu). This variant is present in population databases (rs755820201, gnomAD 0.005%). This variant has not been reported in the literature in individuals affected with CEP135-related conditions. ClinVar contains an entry for this variant (Variation ID: 2889891). An algorithm developed to predict the effect of missense changes on protein structure and function (PolyPhen-2) suggests that this variant is likely to be disruptive. In summary, the available evidence is currently insufficient to determine the role of this variant in disease. Therefore, it has been classified as a Variant of Uncertain Significance.

Ambry Genetics
Classification: Uncertain significance for Inborn genetic diseases. Last evaluated: 2025-04-11. Review status: criteria provided, single submitter. Criteria: Ambry Variant Classification Scheme 2023. Collection method: clinical testing. Allele origin: germline.